The following is an entry in ClinVar:

ClinVar aggregate classification (germline): Pathogenic/Likely pathogenic. Review status: criteria provided, multiple submitters, no conflicts (2 of 4 stars). 5 submissions from 5 submitters: Pathogenic (4); Likely pathogenic (1). Last evaluated 2026-07-04.

Conditions:
Autosomal recessive spinocerebellar ataxia 10. Identifiers: Orphanet 284289, MedGen C3150998, MONDO:0013392, OMIM 613728.
ANO10-related disorder. Also called: ANO10-related condition.

Allele frequency attached by ClinVar (database versions not stated): gnomAD exomes below 0.00001 and 0.00001.
gnomAD v4.1: 3 of 1,614,108 alleles (0.00019%); highest among the groups gnomAD compares: Non-Finnish European, 0.00025%; no homozygotes.

Submissions (5):

Myriad Genetics, Inc.
Classification: Pathogenic for Autosomal recessive spinocerebellar ataxia 10. Last evaluated: 2026-07-04. Review status: criteria provided, single submitter. Criteria: Myriad Autosomal Dominant, Autosomal Recessive and X-Linked Classification Criteria (2023). Collection method: clinical testing. Allele origin: unknown.
Comment: NM_018075.3(ANO10):c.1025G>A(W342*) is expected to be pathogenic in the context of spinocerebellar ataxia, ANO10-related. This variant is predicted to lead to an abnormal or absent protein product due to the creation of a premature termination codon in ANO10, a gene where loss-of-function variants are known to be pathogenic. Please note: this variant was assessed in the context of healthy population screening.

Fulgent Genetics
Classification: Pathogenic for Autosomal recessive spinocerebellar ataxia 10. Last evaluated: 2024-02-23. Review status: criteria provided, single submitter. Criteria: ACMG Guidelines, 2015. Collection method: clinical testing. Allele origin: germline.

Labcorp Genetics (formerly Invitae), Labcorp
Classification: Pathogenic. Last evaluated: 2023-09-26. Review status: criteria provided, single submitter. Criteria: Invitae Variant Classification Sherloc (09022015). Collection method: clinical testing. Allele origin: germline.
Comment: This sequence change creates a premature translational stop signal (p.Trp342*) in the ANO10 gene. It is expected to result in an absent or disrupted protein product. Loss-of-function variants in ANO10 are known to be pathogenic (PMID: 25089919). The frequency data for this variant in the population databases is considered unreliable, as metrics indicate poor data quality at this position in the gnomAD database. This premature translational stop signal has been observed in individual(s) with spinocerebellar ataxia (PMID: 33624863). ClinVar contains an entry for this variant (Variation ID: 807373). For these reasons, this variant has been classified as Pathogenic.

Institute of Human Genetics Munich, TUM University Hospital
Classification: Pathogenic for Autosomal recessive spinocerebellar ataxia 10. Last evaluated: 2019-12-11. Review status: criteria provided, single submitter. Criteria: Classification criteria August 2017. Collection method: clinical testing. Allele origin: inherited. Inheritance: Autosomal recessive inheritance. Affected: yes. Observed: 1 homozygote.

Blueprint Genetics
Classification: Likely pathogenic for ANO10-related disorders. Last evaluated: 2019-10-31. Review status: criteria provided, single submitter. Criteria: ACMG Guidelines, 2015. Collection method: clinical testing. Allele origin: germline. Affected: yes. Observed: 1 variant allele.

Literature cited by the submitters: PubMed 25089919 (cited by Labcorp Genetics (formerly Invitae), Labcorp); PubMed 33624863 (cited by Labcorp Genetics (formerly Invitae), Labcorp).

NM_018075.5(ANO10):c.1025G>A (p.Trp342Ter)

Gene: ANO10 (anoctamin 10; minus strand). Cytogenetic location: 3p22.1.
Variant type: single nucleotide variant.
Coding change: c.1025G>A on transcript NM_018075.5 (MANE Select); coding-DNA position 1025, G replaced by A.
Protein change: p.Trp342Ter; replaces tryptophan 342 with a stop codon.
Molecular consequence: nonsense. On other transcripts: intron variant (1).
Genome position (GRCh38, 1-based): chr3:43,576,829, C>T on the plus strand (G>A on the coding strand, the complement: ANO10 is on the minus strand). VCF-style: chr3-43576829-C-T. GRCh37 (hg19) VCF-style: chr3-43618321-C-T.
Other names: c.827G>A, p.Trp276Ter (NM_001204832.3, NM_001346466.2, NM_001346469.2); c.692G>A, p.Trp231Ter (NM_001204833.3); c.1025G>A, p.Trp342Ter (NM_001346463.2, NM_001346464.2, NM_001346465.2 and 3 more transcripts); c.593-1965G>A (NM_001204834.3); short protein forms W231*, W342*, W276*.
Identifiers: ClinVar variation 807373 (VCV000807373.9), dbSNP rs1405576707, ClinGen allele CA352343345.